The following is an entry in ClinVar:

ClinVar aggregate classification (somatic clinical impact): Tier I - Strong (1 of 4 stars; one submission).

Conditions:
Pineoblastoma. Identifiers: Orphanet 251909, MedGen C0205898, MONDO:0016722, HP:0030408.

Submission:

Institute for Genomic Medicine (IGM) Clinical Laboratory, Nationwide Children's Hospital
Classification: Tier I - Strong for Pineoblastoma. Assertion type: diagnostic. Clinical significance: supports diagnosis. Last evaluated: 2025-07-24. Review status: criteria provided, single submitter. Criteria: AMP/ASCO/CAP Guidelines, 2017. Collection method: clinical testing. Allele origin: somatic. Affected: yes.
Comment: Variant has Tier I (strong) clinical significance as a diagnostic inclusion criterion in pineoblastoma, based on the following evidence: 1) Appears in one or more well-established professional guidelines (e.g., World Health Organization [WHO]; National Comprehensive Cancer Network [NCCN]) as providing diagnostic, prognostic, or therapeutic information. 2) Diagnostic for a specific tumor type/classification based on well-powered studies with expert-level consensus (Evidence Level B; PMIDs: 31820118, 31768671, 31802236, 32124011).

Literature cited by the submitters: PubMed 31820118; PubMed 31768671; PubMed 31802236; PubMed 32124011.

NM_022720.7(DGCR8):c.1833del (p.Thr612fs)

Gene: DGCR8 (DGCR8 microprocessor complex subunit; plus strand). Cytogenetic location: 22q11.21.
Variant type: Deletion.
Coding change: c.1833del on transcript NM_022720.7 (MANE Select); coding-DNA position 1833, one base deleted (G; older notation c.1833delG).
Protein change: p.Thr612fs; shifts the reading frame from threonine 612.
Molecular consequence: frameshift variant.
Genome position (GRCh38, 1-based): chr22:20,106,221, G deleted. VCF-style (leftmost placement, unchanged base first): chr22-20106220-TG-T. GRCh37 (hg19) VCF-style: chr22-20093743-TG-T.
Other names: c.1734del, p.Thr579fs (NM_001190326.2); short protein forms T579fs, T612fs.
Identifiers: ClinVar variation 4530091 (VCV004530091.1).